The following is an entry in ClinVar:

NM_000532.5(PCCB):c.1398+2del

Gene: PCCB (propionyl-CoA carboxylase subunit beta; plus strand). Cytogenetic location: 3q22.3.
Variant type: Deletion.
Coding change: c.1398+2del on transcript NM_000532.5 (MANE Select); the canonical splice donor site of the intron after coding-DNA position 1398, one base deleted (T; older notation c.1398+2delT).
Molecular consequence: splice donor variant.
Genome position (GRCh38, 1-based): chr3:136,327,734, T deleted. VCF-style (leftmost placement, unchanged base first): chr3-136327733-GT-G. GRCh37 (hg19) VCF-style: chr3-136046575-GT-G.
Other names: c.1458+2del (NM_001178014.2).
Identifiers: ClinVar variation 1506047 (VCV001506047.8), dbSNP rs2108239135, ClinGen allele CA2573136574.
Genomic context (GRCh38, chr3:136,327,733, plus strand): 5'-CTTTGTGGTGATACCAACTATGCCTGGCCCACCGCAGAGATTGCAGTCATGGGAGCAAAG[GT>G]GAGGGCCTCTTGCTTTTCCCTTTCTGGGTCCAAGGACTCGACTCTACCAGCGAGAGCTCA-3'

ClinVar aggregate classification (germline): Likely pathogenic (1 of 4 stars; one submission).

Conditions:
Propionic acidemia (PROP). Also called: GLYCINEMIA, KETOTIC; HYPERGLYCINEMIA WITH KETOACIDOSIS AND LEUKOPENIA; KETOTIC HYPERGLYCINEMIA. Identifiers: Orphanet 35, MedGen C0268579, MONDO:0011628, OMIM 606054, HP:0003571.

Submission:

Labcorp Genetics (formerly Invitae), Labcorp
Classification: Likely pathogenic for Propionic acidemia. Last evaluated: 2021-06-18. Review status: criteria provided, single submitter. Criteria: Invitae Variant Classification Sherloc (09022015). Collection method: clinical testing. Allele origin: germline.
Comment: In summary, the currently available evidence indicates that the variant is pathogenic, but additional data are needed to prove that conclusively. Therefore, this variant has been classified as Likely Pathogenic. Algorithms developed to predict the effect of sequence changes on RNA splicing suggest that this variant may disrupt the consensus splice site, but this prediction has not been confirmed by published transcriptional studies. This variant has not been reported in the literature in individuals with PCCB-related conditions. This variant is not present in population databases (ExAC no frequency). This sequence change affects a splice site in intron 13 of the PCCB gene. It is expected to disrupt RNA splicing. Variants that disrupt the donor or acceptor splice site typically lead to a loss of protein function (PMID: 16199547), and loss-of-function variants in PCCB are known to be pathogenic (PMID: 15464417).

Literature cited by the submitters: PubMed 16199547; PubMed 15464417.